The following is an entry in ClinVar:

NM_021628.3(ALOXE3):c.1764C>T (p.His588=)

Gene: ALOXE3 (arachidonate epidermal lipoxygenase 3; minus strand). Cytogenetic location: 17p13.1.
Variant type: single nucleotide variant.
Coding change: c.1764C>T on transcript NM_021628.3 (MANE Select); coding-DNA position 1764, C replaced by T.
Protein change: p.His588=; no amino-acid change (histidine 588 retained).
Molecular consequence: synonymous variant.
Genome position (GRCh38, 1-based): chr17:8,104,136, G>A on the plus strand (C>T on the coding strand, the complement: ALOXE3 is on the minus strand). VCF-style: chr17-8104136-G-A. GRCh37 (hg19) VCF-style: chr17-8007454-G-A.
Other names: c.2160C>T, p.His720= (NM_001165960.1); c.1761C>T, p.His587= (NM_001369446.1).
Identifiers: ClinVar variation 325960 (VCV000325960.8), dbSNP rs144069104, ClinGen allele CA8367962.

ClinVar aggregate classification (germline): Likely benign. Review status: criteria provided, single submitter (1 of 4 stars). 2 submissions from 2 submitters: Likely benign (1). 1 of the submissions does not count toward it. Last evaluated 2026-01-24.

Conditions:
ALOXE3-related disorder. Also called: ALOXE3-related condition.

Allele frequency attached by ClinVar (database versions not stated): 1000 Genomes Project 30x 0.00016; 1000 Genomes Project 0.00020; ExAC 0.00023; gnomAD exomes 0.00024 and 0.00060; gnomAD 0.00029; TOPMed 0.00035; ESP Exome Variant Server 0.00077.
gnomAD v4.1: 956 of 1,613,876 alleles (0.059%); highest among the groups gnomAD compares: Non-Finnish European, 0.073%; 2 homozygotes.

Submissions (2):

Labcorp Genetics (formerly Invitae), Labcorp
Classification: Likely benign. Last evaluated: 2026-01-24. Review status: criteria provided, single submitter. Criteria: Invitae Variant Classification Sherloc (09022015). Collection method: clinical testing. Allele origin: germline.

PreventionGenetics, part of Exact Sciences
Classification: Likely benign for ALOXE3-related condition. Last evaluated: 2019-03-13. Review status: no assertion criteria provided. Collection method: clinical testing. Allele origin: germline. Not counted in ClinVar's aggregate classification.
Comment: This variant is classified as likely benign based on ACMG/AMP sequence variant interpretation guidelines (Richards et al. 2015 PMID: 25741868, with internal and published modifications).